The following is an entry in ClinVar:

NM_001378418.1(TCF20):c.2382A>G (p.Gln794=)

Gene: TCF20 (transcription factor 20; minus strand). Cytogenetic location: 22q13.2.
Variant type: single nucleotide variant.
Coding change: c.2382A>G on transcript NM_001378418.1 (MANE Select); coding-DNA position 2382, A replaced by G.
Protein change: p.Gln794=; no amino-acid change (glutamine 794 retained).
Molecular consequence: synonymous variant.
Genome position (GRCh38, 1-based): chr22:42,212,924, T>C on the plus strand (A>G on the coding strand, the complement: TCF20 is on the minus strand). VCF-style: chr22-42212924-T-C. GRCh37 (hg19) VCF-style: chr22-42608930-T-C.
Other names: c.2382A>G, p.Gln794= (NM_005650.4, NM_181492.3).
Identifiers: ClinVar variation 4979071 (VCV004979071.1).

ClinVar aggregate classification (germline): Likely benign (1 of 4 stars; one submission).

Conditions:
TCF20-related disorder. Also called: TCF20-related condition.

gnomAD v4.1: 12 of 1,614,076 alleles (0.00074%); highest among the groups gnomAD compares: Admixed American, 0.005%; no homozygotes.

Submission:

PreventionGenetics, part of Exact Sciences
Classification: Likely benign for TCF20-related condition. Last evaluated: 2026-03-18. Review status: criteria provided, single submitter. Criteria: ACMG Guidelines, 2015. Collection method: clinical testing. Allele origin: germline.
Comment: This variant is classified as likely benign based on ACMG/AMP sequence variant interpretation guidelines (Richards et al. 2015 PMID: 25741868, with internal and published modifications).